The following is an entry in ClinVar:

ClinVar aggregate classification (germline): Uncertain significance (1 of 4 stars; one submission).

Conditions:
Fibrous dysplasia of jaw (CRBM). Also called: Cherubism. Identifiers: Orphanet 184, MedGen C0008029, MONDO:0007315, OMIM 118400.

Submission:

Labcorp Genetics (formerly Invitae), Labcorp
Classification: Uncertain significance for Fibrous dysplasia of jaw. Last evaluated: 2025-06-19. Review status: criteria provided, single submitter. Criteria: Invitae Variant Classification Sherloc (09022015). Collection method: clinical testing. Allele origin: germline.
Comment: This sequence change replaces proline, which is neutral and non-polar, with alanine, which is neutral and non-polar, at codon 11 of the SH3BP2 protein (p.Pro11Ala). This variant is not present in population databases (gnomAD no frequency). This variant has not been reported in the literature in individuals affected with SH3BP2-related conditions. Invitae Evidence Modeling of protein sequence and biophysical properties (such as structural, functional, and spatial information, amino acid conservation, physicochemical variation, residue mobility, and thermodynamic stability) indicates that this missense variant is not expected to disrupt SH3BP2 protein function with a negative predictive value of 95%. In summary, the available evidence is currently insufficient to determine the role of this variant in disease. Therefore, it has been classified as a Variant of Uncertain Significance.

NM_001122681.2(SH3BP2):c.31C>G (p.Pro11Ala)

Gene: SH3BP2 (SH3 domain binding protein 2; plus strand). Cytogenetic location: 4p16.3.
Variant type: single nucleotide variant.
Coding change: c.31C>G on transcript NM_001122681.2 (MANE Select); coding-DNA position 31, C replaced by G.
Protein change: p.Pro11Ala; replaces proline 11 with alanine.
Molecular consequence: missense variant.
Genome position (GRCh38, 1-based): chr4:2,820,648, C>G. VCF-style: chr4-2820648-C-G. GRCh37 (hg19) VCF-style: chr4-2822375-C-G.
Other names: c.115C>G, p.Pro39Ala (NM_001145855.2); c.202C>G, p.Pro68Ala (NM_001145856.2); c.31C>G, p.Pro11Ala (NM_003023.4); short protein forms P68A, P11A, P39A.
Identifiers: ClinVar variation 4705848 (VCV004705848.1).